The following is an entry in ClinVar:

ClinVar aggregate classification (germline): Uncertain significance (1 of 4 stars; one submission).

Conditions:
Fanconi anemia (FA). Also called: Fanconi's anemia. Identifiers: Orphanet 84, MedGen C0015625, MeSH D005199, MONDO:0019391.

Submission:

Labcorp Genetics (formerly Invitae), Labcorp
Classification: Uncertain significance for Fanconi anemia. Last evaluated: 2022-06-26. Review status: criteria provided, single submitter. Criteria: Invitae Variant Classification Sherloc (09022015). Collection method: clinical testing. Allele origin: germline.
Comment: This variant is not present in population databases (gnomAD no frequency). This sequence change replaces alanine, which is neutral and non-polar, with threonine, which is neutral and polar, at codon 933 of the FANCI protein (p.Ala933Thr). This variant has not been reported in the literature in individuals affected with FANCI-related conditions. Algorithms developed to predict the effect of missense changes on protein structure and function (SIFT, PolyPhen-2, Align-GVGD) all suggest that this variant is likely to be tolerated. In summary, the available evidence is currently insufficient to determine the role of this variant in disease. Therefore, it has been classified as a Variant of Uncertain Significance.

NM_001113378.2(FANCI):c.2797G>A (p.Ala933Thr)

Gene: FANCI (FA complementation group I; plus strand). Cytogenetic location: 15q26.1.
Variant type: single nucleotide variant.
Coding change: c.2797G>A on transcript NM_001113378.2 (MANE Select); coding-DNA position 2797, G replaced by A.
Protein change: p.Ala933Thr; replaces alanine 933 with threonine.
Molecular consequence: missense variant.
Genome position (GRCh38, 1-based): chr15:89,299,960, G>A. VCF-style: chr15-89299960-G-A. GRCh37 (hg19) VCF-style: chr15-89843191-G-A.
Other names: c.2518G>A, p.Ala840Thr (NM_001376910.1); c.2797G>A, p.Ala933Thr (NM_001376911.1); c.2617G>A, p.Ala873Thr (NM_018193.3); short protein forms A873T, A933T, A840T.
Identifiers: ClinVar variation 2070420 (VCV002070420.4), dbSNP rs2507842804, ClinGen allele CA393737211.
Genomic context (GRCh38, chr15:89,299,960, plus strand): 5'-CAGAAAATATTCAGTGCTGTGCAACAGTTCTATCAGCCCAAGATTCAGCAGTTTCTCAGA[G>A]CTCTGGGTAAGCATTGCAGTATCAATAAATAGGCTTGATTTAGGTTTCTCCTTAGCTCAA-3'
Protein context (NP_001106849.1, residues 923-943): YQPKIQQFLR[Ala933Thr]LDVTDKEGEE